The following is an entry in ClinVar:

ClinVar aggregate classification (germline): Uncertain significance (1 of 4 stars; one submission).

Conditions:
Severe combined immunodeficiency due to DNA-PKcs deficiency. Also called: IMMUNODEFICIENCY 26 WITH NEUROLOGIC ABNORMALITIES; Immunodeficiency 26 with or without neurologic abnormalities. Identifiers: Orphanet 317425, MedGen C4014833, MONDO:0014423, OMIM 615966.

Submission:

Labcorp Genetics (formerly Invitae), Labcorp
Classification: Uncertain significance for Severe combined immunodeficiency due to DNA-PKcs deficiency. Last evaluated: 2022-06-13. Review status: criteria provided, single submitter. Criteria: Invitae Variant Classification Sherloc (09022015). Collection method: clinical testing. Allele origin: germline.
Comment: This variant has not been reported in the literature in individuals affected with PRKDC-related conditions. This variant is not present in population databases (gnomAD no frequency). This sequence change replaces isoleucine, which is neutral and non-polar, with threonine, which is neutral and polar, at codon 1382 of the PRKDC protein (p.Ile1382Thr). Experimental studies and prediction algorithms are not available or were not evaluated, and the functional significance of this variant is currently unknown. In summary, the available evidence is currently insufficient to determine the role of this variant in disease. Therefore, it has been classified as a Variant of Uncertain Significance.

NM_006904.7(PRKDC):c.4145T>C (p.Ile1382Thr)

Gene: PRKDC (protein kinase, DNA-activated, catalytic subunit; minus strand). Cytogenetic location: 8q11.21.
Variant type: single nucleotide variant.
Coding change: c.4145T>C on transcript NM_006904.7 (MANE Select); coding-DNA position 4145, T replaced by C.
Protein change: p.Ile1382Thr; replaces isoleucine 1382 with threonine.
Molecular consequence: missense variant.
Genome position (GRCh38, 1-based): chr8:47,889,149, A>G on the plus strand (T>C on the coding strand, the complement: PRKDC is on the minus strand). VCF-style: chr8-47889149-A-G. GRCh37 (hg19) VCF-style: chr8-48801710-A-G.
Other names: c.4145T>C, p.Ile1382Thr (NM_001081640.2); short protein forms I1382T.
Identifiers: ClinVar variation 2162843 (VCV002162843.4), dbSNP rs2551873749, ClinGen allele CA371146833.